The following is an entry in ClinVar:

ClinVar aggregate classification (germline): Uncertain significance. Review status: criteria provided, multiple submitters, no conflicts (2 of 4 stars). 2 submissions from 2 submitters: Uncertain significance (2). Last evaluated 2025-06-03.

Conditions:
Inborn genetic diseases. Identifiers: MedGen C0950123, MeSH D030342.

Allele frequency attached by ClinVar (database versions not stated): gnomAD 0.00001; TOPMed 0.00002.
gnomAD v4.1: 1 of 1,614,012 alleles (0.000062%); highest among the groups gnomAD compares: Admixed American, 0.0017%; no homozygotes.

Submissions (2):

Ambry Genetics
Classification: Uncertain significance for Inborn genetic diseases. Last evaluated: 2025-06-03. Review status: criteria provided, single submitter. Criteria: Ambry Variant Classification Scheme 2023. Collection method: clinical testing. Allele origin: germline.

Labcorp Genetics (formerly Invitae), Labcorp
Classification: Uncertain significance. Last evaluated: 2024-10-16. Review status: criteria provided, single submitter. Criteria: Invitae Variant Classification Sherloc (09022015). Collection method: clinical testing. Allele origin: germline.
Comment: This sequence change replaces glutamic acid, which is acidic and polar, with glycine, which is neutral and non-polar, at codon 2122 of the VCAN protein (p.Glu2122Gly). This variant is not present in population databases (gnomAD no frequency). This variant has not been reported in the literature in individuals affected with VCAN-related conditions. ClinVar contains an entry for this variant (Variation ID: 1500263). An algorithm developed to predict the effect of missense changes on protein structure and function outputs the following: PolyPhen-2: "Benign". The glycine amino acid residue is found in multiple mammalian species, which suggests that this missense change does not adversely affect protein function. In summary, the available evidence is currently insufficient to determine the role of this variant in disease. Therefore, it has been classified as a Variant of Uncertain Significance.

NM_004385.5(VCAN):c.6365A>G (p.Glu2122Gly)

Genes: VCAN (versican; plus strand), VCAN-AS1 (VCAN antisense RNA 1; minus strand). Cytogenetic location: 5q14.3.
Variant type: single nucleotide variant.
Coding change: c.6365A>G on transcript NM_004385.5 (MANE Select); coding-DNA position 6365, A replaced by G.
Protein change: p.Glu2122Gly; replaces glutamic acid 2122 with glycine.
Molecular consequence: missense variant. On other transcripts: intron variant (2).
Genome position (GRCh38, 1-based): chr5:83,539,368, A>G. VCF-style: chr5-83539368-A-G. GRCh37 (hg19) VCF-style: chr5-82835187-A-G.
Other names: c.6365A>G (NM_004385.4); c.3404A>G, p.Glu1135Gly (NM_001164097.2); c.4004-6169A>G (NM_001164098.2); c.1043-6169A>G (NM_001126336.3); short protein forms E2122G, E1135G.
Identifiers: ClinVar variation 1500263 (VCV001500263.9), dbSNP rs897862312, ClinGen allele CA121810253.